The following is an entry in ClinVar:

ClinVar aggregate classification (germline): Uncertain significance (1 of 4 stars; one submission).

gnomAD v4.1: 21 of 1,548,994 alleles (0.0014%); highest among the groups gnomAD compares: East Asian, 0.015%; no homozygotes.

Submission:

Ambry Genetics
Classification: Uncertain significance. Last evaluated: 2025-11-19. Review status: criteria provided, single submitter. Criteria: Ambry Variant Classification Scheme 2023. Collection method: clinical testing. Allele origin: germline.
Comment: The c.2447G>A (p.R816Q) alteration is located in exon (coding exon ) of the PARG gene. This alteration results from a G to A substitution at nucleotide position 2447, causing the arginine (R) at amino acid position 816 to be replaced by a glutamine (Q). Based on insufficient or conflicting evidence, the clinical significance of this alteration remains unclear.

NM_003631.5(PARG):c.2447G>A (p.Arg816Gln)

Gene: PARG (poly(ADP-ribose) glycohydrolase; minus strand). Cytogenetic location: 10q11.23.
Variant type: single nucleotide variant.
Coding change: c.2447G>A on transcript NM_003631.5 (MANE Select); coding-DNA position 2447, G replaced by A.
Protein change: p.Arg816Gln; replaces arginine 816 with glutamine.
Molecular consequence: missense variant. On other transcripts: non-coding transcript variant (7).
Genome position (GRCh38, 1-based): chr10:49,842,044, C>T on the plus strand (G>A on the coding strand, the complement: PARG is on the minus strand). VCF-style: chr10-49842044-C-T. GRCh37 (hg19) VCF-style: chr10-51050090-C-T.
Other names: c.2123G>A, p.Arg708Gln (NM_001303487.3); c.1205G>A, p.Arg402Gln (NM_001303489.3); c.2201G>A, p.Arg734Gln (NM_001324381.3, NM_001303486.3); short protein forms R816Q, R402Q, R708Q, R734Q.
Identifiers: ClinVar variation 4564564 (VCV004564564.1).
Genomic context (GRCh38, chr10:49,842,044, plus strand): 5'-AACTGATCGAGGTAGCGTCTGAAGTGAAGAGCATCGATGGCAACGATCTCAGTGCAGCGC[C>T]GCTGCCAGTCGTCCCTGGGACAGGAAGGAAAGGGGAGAAAAGATAAGGAACAGGTAGTCG-3'
Protein context (NP_003622.2, residues 806-826): EDGSERDDWQ[Arg816Gln]RCTEIVAIDA